The following is an entry in ClinVar:

NM_001197104.2(KMT2A):c.2661_2663delinsTTT (p.Glu887_Ser888delinsAspLeu)

Gene: KMT2A (lysine methyltransferase 2A; plus strand). Cytogenetic location: 11q23.3.
Variant type: Indel.
Coding change: c.2661_2663delinsTTT on transcript NM_001197104.2 (MANE Select); coding-DNA positions 2661 to 2663, GTC replaced by TTT.
Protein change: p.Glu887_Ser888delinsAspLeu.
Molecular consequence: missense variant.
Genome position (GRCh38, 1-based): chr11:118,473,820-118,473,822, GTC replaced by TTT. VCF-style: chr11-118473820-GTC-TTT. GRCh37 (hg19) VCF-style: chr11-118344535-GTC-TTT.
Other names: c.2661_2663delinsTTT, p.Glu887_Ser888delinsAspLeu (NM_005933.4).
Identifiers: ClinVar variation 1306082 (VCV001306082.2), dbSNP rs2134270993, ClinGen allele CA2573053432.
Genomic context (GRCh38, chr11:118,473,820, plus strand): 5'-CGTGGAGAAGGACAAGAGTAGAGAGAGAGACCGGGAGAGAGAAAAGGAGAATAAGCGGGA[GTC>TTT]AAGGAAAGAGAAAAGGAAAAAGGGATCAGAAATTCAGAGTAGTTCTGCTTTGTATCCTGT-3'

ClinVar aggregate classification (germline): Uncertain significance (1 of 4 stars; one submission).

Submission:

GeneDx
Classification: Uncertain significance. Last evaluated: 2019-06-05. Review status: criteria provided, single submitter. Criteria: GeneDx Variant Classification Process June 2021. Collection method: clinical testing. Allele origin: germline. Affected: yes.
Comment: Not observed in large population cohorts (Lek et al., 2016); In silico analysis, which includes protein predictors and evolutionary conservation, supports a deleterious effect; Has not been previously published as pathogenic or benign to our knowledge